The following is an entry in ClinVar:

ClinVar aggregate classification (germline): Likely benign (1 of 4 stars; one submission).

Submission:

CeGaT Center for Human Genetics Tuebingen
Classification: Likely benign. Last evaluated: 2025-10-01. Review status: criteria provided, single submitter. Criteria: CeGaT Center For Human Genetics Tuebingen Variant Classification Criteria Version 2. Collection method: clinical testing. Allele origin: germline. Affected: yes. Observed: 1 variant allele.
Comment: HLA-DPB1: BP4, BP7

NM_002121.6(HLA-DPB1):c.303G>T (p.Val101=)

Gene: HLA-DPB1 (major histocompatibility complex, class II, DP beta 1; plus strand). Cytogenetic location: 6p21.32.
Variant type: single nucleotide variant.
Coding change: c.303G>T on transcript NM_002121.6 (MANE Select); coding-DNA position 303, G replaced by T.
Protein change: p.Val101=; no amino-acid change (valine 101 retained).
Molecular consequence: synonymous variant.
Genome position (GRCh38, 1-based): chr6:33,080,874, G>T. VCF-style: chr6-33080874-G-T. GRCh37 (hg19) VCF-style: chr6-33048651-G-T.
Identifiers: ClinVar variation 4533413 (VCV004533413.6).